The following is an entry in ClinVar:

ClinVar aggregate classification (germline): Uncertain significance (1 of 4 stars; one submission).

Submission:

Ambry Genetics
Classification: Uncertain significance. Last evaluated: 2022-07-05. Review status: criteria provided, single submitter. Criteria: Ambry Variant Classification Scheme 2023. Collection method: clinical testing. Allele origin: germline.
Comment: The p.I268T variant (also known as c.803T>C), located in coding exon 8 of the STAP1 gene, results from a T to C substitution at nucleotide position 803. The isoleucine at codon 268 is replaced by threonine, an amino acid with similar properties. This amino acid position is conserved. In addition, the in silico prediction for this alteration is inconclusive. Since supporting evidence is limited at this time, the clinical significance of this alteration remains unclear.

NM_012108.4(STAP1):c.803T>C (p.Ile268Thr)

Gene: STAP1 (signal transducing adaptor family member 1; plus strand). Cytogenetic location: 4q13.2.
Variant type: single nucleotide variant.
Coding change: c.803T>C on transcript NM_012108.4 (MANE Select); coding-DNA position 803, T replaced by C.
Protein change: p.Ile268Thr; replaces isoleucine 268 with threonine.
Molecular consequence: missense variant.
Genome position (GRCh38, 1-based): chr4:67,593,333, T>C. VCF-style: chr4-67593333-T-C. GRCh37 (hg19) VCF-style: chr4-68459051-T-C.
Other names: c.803T>C, p.Ile268Thr (NM_001317769.2); short protein forms I268T.
Identifiers: ClinVar variation 1761762 (VCV001761762.2), dbSNP rs2545910211, ClinGen allele CA357040829.
Genomic context (GRCh38, chr4:67,593,333, plus strand): 5'-ACCTTTTCAGTGTCATTGATTATTTTGTGAAGGAGACTCGAGGAAATTTAAGACCATTTA[T>C]ATGTTCAACTGATGAAAACACTGGTATGTTTTTCACTTCATTGCTATGTTAAGGGAAACA-3'
Protein context (NP_036240.1, residues 258-278): KETRGNLRPF[Ile268Thr]CSTDENTGQE